The following is an entry in ClinVar:

NM_000426.4(LAMA2):c.2008C>T (p.Arg670Cys)

Gene: LAMA2 (laminin subunit alpha 2; plus strand). Cytogenetic location: 6q22.33.
Variant type: single nucleotide variant.
Coding change: c.2008C>T on transcript NM_000426.4 (MANE Select); coding-DNA position 2008, C replaced by T.
Protein change: p.Arg670Cys; replaces arginine 670 with cysteine.
Molecular consequence: missense variant.
Genome position (GRCh38, 1-based): chr6:129,252,207, C>T. VCF-style: chr6-129252207-C-T. GRCh37 (hg19) VCF-style: chr6-129573352-C-T.
Other names: c.2008C>T, p.Arg670Cys (NM_001079823.2); short protein forms R670C.
Identifiers: ClinVar variation 1700969 (VCV001700969.4), dbSNP rs1324159581, ClinGen allele CA365610448.

ClinVar aggregate classification (germline): Uncertain significance. Review status: criteria provided, multiple submitters, no conflicts (2 of 4 stars). 2 submissions from 2 submitters: Uncertain significance (2). Last evaluated 2022-06-14.

Conditions:
LAMA2-related muscular dystrophy (LAMA2-RD). Also called: Laminin alpha 2-related dystrophy. Identifiers: MedGen C5679788, MONDO:0100228.

Allele frequency attached by ClinVar (database versions not stated): gnomAD exomes 0.00001.
gnomAD v4.1: 3 of 1,613,742 alleles (0.00019%); highest among the groups gnomAD compares: Admixed American, 0.0017%; no homozygotes.

Submissions (2):

Labcorp Genetics (formerly Invitae), Labcorp
Classification: Uncertain significance for LAMA2-related muscular dystrophy. Last evaluated: 2022-06-14. Review status: criteria provided, single submitter. Criteria: Invitae Variant Classification Sherloc (09022015). Collection method: clinical testing. Allele origin: germline.
Comment: This sequence change replaces arginine, which is basic and polar, with cysteine, which is neutral and slightly polar, at codon 670 of the LAMA2 protein (p.Arg670Cys). This variant is present in population databases (no rsID available, gnomAD 0.002%). This variant has not been reported in the literature in individuals affected with LAMA2-related conditions. Advanced modeling of protein sequence and biophysical properties (such as structural, functional, and spatial information, amino acid conservation, physicochemical variation, residue mobility, and thermodynamic stability) performed at Invitae indicates that this missense variant is not expected to disrupt LAMA2 protein function. In summary, the available evidence is currently insufficient to determine the role of this variant in disease. Therefore, it has been classified as a Variant of Uncertain Significance.

GeneDx
Classification: Uncertain significance. Last evaluated: 2022-02-14. Review status: criteria provided, single submitter. Criteria: GeneDx Variant Classification Process June 2021. Collection method: clinical testing. Allele origin: germline. Affected: yes.
Comment: Not observed at significant frequency in large population cohorts (gnomAD); In silico analysis supports that this missense variant does not alter protein structure/function; Has not been previously published as pathogenic or benign to our knowledge